The following is an entry in ClinVar:

ClinVar aggregate classification (germline): Benign. Review status: criteria provided, multiple submitters, no conflicts (2 of 4 stars). 2 submissions from 2 submitters: Benign (2). Last evaluated 2026-01-20.

Conditions:
Trichorhinophalangeal dysplasia type I (TRPS1). Also called: TRICHORHINOPHALANGEAL SYNDROME, TYPE I; TRPS I. Identifiers: Orphanet 77258, MedGen C0432233, MONDO:0008596, OMIM 190350.
Trichorhinophalangeal syndrome, type III (TRPS3). Also called: SUGIO-KAJII SYNDROME. Identifiers: Orphanet 77258, MedGen C1860823, OMIM 190351, MONDO:0008597.

gnomAD v4.1: 299 of 1,614,134 alleles (0.019%); highest among the groups gnomAD compares: East Asian, 0.66%; 2 homozygotes.

Submissions (2):

Labcorp Genetics (formerly Invitae), Labcorp
Classification: Benign for Trichorhinophalangeal syndrome, type III; Trichorhinophalangeal dysplasia type I. Last evaluated: 2026-01-20. Review status: criteria provided, single submitter. Criteria: Invitae Variant Classification Sherloc (09022015). Collection method: clinical testing. Allele origin: germline.

CeGaT Center for Human Genetics Tuebingen
Classification: Benign. Last evaluated: 2025-11-01. Review status: criteria provided, single submitter. Criteria: CeGaT Center For Human Genetics Tuebingen Variant Classification Criteria Version 2. Collection method: clinical testing. Allele origin: germline. Affected: yes. Observed: 1 variant allele.
Comment: TRPS1: BP4, BS1, BS2

NM_014112.5(TRPS1):c.867C>A (p.Ser289=)

Gene: TRPS1 (transcriptional repressor GATA binding 1; minus strand). Cytogenetic location: 8q23.3.
Variant type: single nucleotide variant.
Coding change: c.867C>A on transcript NM_014112.5 (MANE Select); coding-DNA position 867, C replaced by A.
Protein change: p.Ser289=; no amino-acid change (serine 289 retained).
Molecular consequence: synonymous variant.
Genome position (GRCh38, 1-based): chr8:115,619,231, G>T on the plus strand (C>A on the coding strand, the complement: TRPS1 is on the minus strand). VCF-style: chr8-115619231-G-T. GRCh37 (hg19) VCF-style: chr8-116631458-G-T.
Other names: c.840C>A, p.Ser280= (NM_001282902.3); c.846C>A, p.Ser282= (NM_001282903.3); c.828C>A, p.Ser276= (NM_001330599.2).
Identifiers: ClinVar variation 3758073 (VCV003758073.7).
Genomic context (GRCh38, chr8:115,619,231, plus strand): 5'-AGAATTGATGTCCTGCAGCACACCAGAAAACACAGAACGGTTGACCTTCTGGAAGTCTTT[G>T]GAATGGCTGAACTGCACCATGTTATGAAGGGCCAAGATTTTGCTGTCCAGCTCAGCATCT-3'
Protein context (NP_054831.2, residues 279-299): ALHNMVQFSH[Ser289=]KDFQKVNRSV